The following is an entry in ClinVar:

ClinVar aggregate classification (germline): Uncertain significance (1 of 4 stars; one submission).

Submission:

Labcorp Genetics (formerly Invitae), Labcorp
Classification: Uncertain significance. Last evaluated: 2022-02-24. Review status: criteria provided, single submitter. Criteria: Invitae Variant Classification Sherloc (09022015). Collection method: clinical testing. Allele origin: germline.
Comment: Algorithms developed to predict the effect of sequence changes on RNA splicing suggest that this variant may disrupt the consensus splice site. This variant has not been reported in the literature in individuals affected with RIN2-related conditions. This variant is not present in population databases (gnomAD no frequency). This sequence change affects codon 226 of the RIN2 mRNA. It is a 'silent' change, meaning that it does not change the encoded amino acid sequence of the RIN2 protein. In summary, the available evidence is currently insufficient to determine the role of this variant in disease. Therefore, it has been classified as a Variant of Uncertain Significance.

NM_018993.4(RIN2):c.678C>A (p.Pro226=)

Gene: RIN2 (Ras and Rab interactor 2; plus strand). Cytogenetic location: 20p11.23.
Variant type: single nucleotide variant.
Coding change: c.678C>A on transcript NM_018993.4 (MANE Select); coding-DNA position 678, C replaced by A.
Protein change: p.Pro226=; no amino-acid change (proline 226 retained).
Molecular consequence: synonymous variant.
Genome position (GRCh38, 1-based): chr20:19,974,703, C>A. VCF-style: chr20-19974703-C-A. GRCh37 (hg19) VCF-style: chr20-19955347-C-A.
Other names: c.825C>A, p.Pro275= (NM_001242581.2); c.60C>A, p.Pro20= (NM_001378238.1).
Identifiers: ClinVar variation 2102884 (VCV002102884.4), dbSNP rs2515504643, ClinGen allele CA510156858.